The following is an entry in ClinVar:

ClinVar aggregate classification (germline): Conflicting classifications of pathogenicity. Review status: criteria provided, conflicting classifications (1 of 4 stars). 7 submissions from 7 submitters: Pathogenic (1); Likely pathogenic (4); Uncertain significance (2). Last evaluated 2026-08-18.

Conditions:
INPP5E-related disorder. Also called: INPP5E-related condition.
Joubert syndrome and related disorders. Identifiers: Orphanet 140874, MedGen C5679612, MONDO:0015369.
Joubert syndrome 1 (JBTS1). Also called: Cerebellooculorenal syndrome 1; CEREBELLOPARENCHYMAL DISORDER IV. Identifiers: MedGen C4551568, MONDO:0008944, OMIM 213300.
MORM syndrome (MORMS). Identifiers: Orphanet 75858, MedGen C1857802, MONDO:0012423, OMIM 610156.
Joubert syndrome. Also called: JOUBERT-BOLTSHAUSER SYNDROME; Familial aplasia of the vermis. Identifiers: Orphanet 475, MedGen C5979921, MONDO:0018772.
Rod-cone dystrophy. Identifiers: MedGen C4551714, HP:0000510.

Allele frequency attached by ClinVar (database versions not stated): gnomAD 0.00003 and 0.00004; TOPMed 0.00005.

Submissions (7):

PreventionGenetics, part of Exact Sciences
Classification: Uncertain significance for INPP5E-related condition. Last evaluated: 2026-08-18. Review status: criteria provided, single submitter. Criteria: ACMG Guidelines, 2015. Collection method: clinical testing. Allele origin: germline.
Comment: The INPP5E c.1456C>T variant is predicted to result in the amino acid substitution p.Arg486Cys. This variant has been reported in individuals with rod-cone degeneration and a patient with ataxia, found along with a second INPP5E variant of uncertain significance, phase unknown (Sangermano et al. 2021. PubMed ID: 34188062; Benkirane et al. 2021. PubMed ID: 34234304; Table S2, Peter et al. 2023. PubMed ID: 36909829; Table S1, Lin et al. 2024. PubMed ID: 38219857). This variant is reported in 0.015% of alleles in individuals of European (Non-Finnish) descent in gnomAD. Although we suspect that this variant may be pathogenic, at this time, the clinical significance of this variant is uncertain due to the absence of conclusive functional and genetic evidence.

Labcorp Genetics (formerly Invitae), Labcorp
Classification: Pathogenic for Joubert syndrome. Last evaluated: 2025-12-30. Review status: criteria provided, single submitter. Criteria: Invitae Variant Classification Sherloc (09022015). Collection method: clinical testing. Allele origin: germline.
Comment: This sequence change replaces arginine, which is basic and polar, with cysteine, which is neutral and slightly polar, at codon 486 of the INPP5E protein (p.Arg486Cys). This variant is present in population databases (rs75939033, gnomAD 0.02%). This missense change has been observed in individuals with clinical features of retinitis pigmentosa (PMID: 34188062; internal data). ClinVar contains an entry for this variant (Variation ID: 391693). Invitae Evidence Modeling of protein sequence and biophysical properties (such as structural, functional, and spatial information, amino acid conservation, physicochemical variation, residue mobility, and thermodynamic stability) indicates that this missense variant is expected to disrupt INPP5E protein function with a positive predictive value of 80%. For these reasons, this variant has been classified as Pathogenic.

Women's Health and Genetics/Laboratory Corporation of America, LabCorp
Classification: Likely pathogenic for Joubert syndrome and related disorders. Last evaluated: 2025-05-22. Review status: criteria provided, single submitter. Criteria: LabCorp Variant Classification Summary - May 2015. Collection method: clinical testing. Allele origin: germline.
Comment: Variant summary: INPP5E c.1456C>T (p.Arg486Cys) results in a non-conservative amino acid change located in the Inositol polyphosphate-related phosphatase (IPR000300) of the encoded protein sequence. Algorithms developed to predict the effect of missense changes on protein structure and function all suggest that this variant is likely to be disruptive. The variant allele was found at a frequency of 8.3e-05 in 240448 control chromosomes. This frequency is not significantly higher than estimated for a pathogenic variant in INPP5E causing Joubert Syndrome And Related Disorders (8.3e-05 vs 0.00079), allowing no conclusion about variant significance. c.1456C>T has been reported in the literature and at our laboratory as a biallelic genotype in at-least four individuals affected with clinical features of Retinitis pigmentosa and inherited retinal disorder (Benkirane_2021, Peter_2023, Sangermano_2021, internal data). These data indicate that the variant is likely to be associated with disease. To our knowledge, no experimental evidence demonstrating an impact on protein function has been reported. The following publications have been ascertained in the context of this evaluation (PMID: 34234304, 36909829, 34188062). ClinVar contains an entry for this variant (Variation ID: 391693). Based on the evidence outlined above, the variant was classified as likely pathogenic.

Fulgent Genetics
Classification: Likely pathogenic for Joubert syndrome 1; MORM syndrome. Last evaluated: 2024-05-25. Review status: criteria provided, single submitter. Criteria: ACMG Guidelines, 2015. Collection method: clinical testing. Allele origin: germline.

Blueprint Genetics
Classification: Likely pathogenic for INPP5E-related disorders. Last evaluated: 2022-11-17. Review status: criteria provided, single submitter. Criteria: ACMG Guidelines, 2015. Collection method: clinical testing. Allele origin: germline. Affected: yes. Observed: 5 variant alleles.

Ocular Genomics Institute, Massachusetts Eye and Ear
Classification: Likely pathogenic for Rod-cone dystrophy. Last evaluated: 2021-04-08. Review status: criteria provided, single submitter. Criteria: ACMG Guidelines, 2015. Collection method: research. Allele origin: germline. Affected: yes.
Comment: Through a review of available evidence we were able to apply the following criteria: PM1, PM2, PP3, PP1. Based on this evidence we have classified this variant as Likely Pathogenic.

GeneDx
Classification: Uncertain significance. Last evaluated: 2016-12-21. Review status: criteria provided, single submitter. Criteria: GeneDx Variant Classification (06012015). Collection method: clinical testing. Allele origin: germline. Affected: yes.
Comment: A variant of uncertain significance has been identified in the INPP5E gene. The R486C variant has not been published as a pathogenic variant, nor has it been reported as a benign variant to our knowledge. The R486C variant is not observed at a significant frequency in large population cohorts (Lek et al., 2016; 1000 Genomes Consortium et al., 2015; Exome Variant Server). The R486C variant is a non-conservative amino acid substitution, which is likely to impact secondary protein structure as these residues differ in polarity, charge, size and/or other properties. This substitution occurs at a position that is conserved across species, and in silico analysis predicts this variant is probably damaging to the protein structure/function. Based on the currently available information, it is unclear whether this variant is a pathogenic variant or a rare benign variant.

Literature cited by the submitters: PubMed 34188062 (cited by Labcorp Genetics (formerly Invitae), Labcorp and Women's Health and Genetics/Laboratory Corporation of America, LabCorp); PubMed 34234304 (cited by Women's Health and Genetics/Laboratory Corporation of America, LabCorp); PubMed 36909829 (cited by Women's Health and Genetics/Laboratory Corporation of America, LabCorp).

NM_019892.6(INPP5E):c.1456C>T (p.Arg486Cys)

Gene: INPP5E (inositol polyphosphate-5-phosphatase E; minus strand). Cytogenetic location: 9q34.3.
Variant type: single nucleotide variant.
Coding change: c.1456C>T on transcript NM_019892.6 (MANE Select); coding-DNA position 1456, C replaced by T.
Protein change: p.Arg486Cys; replaces arginine 486 with cysteine.
Molecular consequence: missense variant.
Genome position (GRCh38, 1-based): chr9:136,431,917, G>A on the plus strand (C>T on the coding strand, the complement: INPP5E is on the minus strand). VCF-style: chr9-136431917-G-A. GRCh37 (hg19) VCF-style: chr9-139326369-G-A.
Other names: c.1453C>T, p.Arg485Cys (NM_001318502.2); c.1456C>T (NM_019892.5); short protein forms R486C, R485C.
Identifiers: ClinVar variation 391693 (VCV000391693.19), dbSNP rs75939033, ClinGen allele CA5336788.